The following is an entry in ClinVar:

ClinVar aggregate classification (germline): Uncertain significance. Review status: criteria provided, multiple submitters, no conflicts (2 of 4 stars). 2 submissions from 2 submitters: Uncertain significance (2). Last evaluated 2025-07-09.

Submissions (2):

Labcorp Genetics (formerly Invitae), Labcorp
Classification: Uncertain significance. Last evaluated: 2025-07-09. Review status: criteria provided, single submitter. Criteria: Invitae Variant Classification Sherloc (09022015). Collection method: clinical testing. Allele origin: germline.
Comment: This sequence change replaces proline, which is neutral and non-polar, with arginine, which is basic and polar, at codon 987 of the COL11A2 protein (p.Pro987Arg). This variant is not present in population databases (gnomAD no frequency). This variant has not been reported in the literature in individuals affected with COL11A2-related conditions. Invitae Evidence Modeling of protein sequence and biophysical properties (such as structural, functional, and spatial information, amino acid conservation, physicochemical variation, residue mobility, and thermodynamic stability) indicates that this missense variant is not expected to disrupt COL11A2 protein function with a negative predictive value of 95%. In summary, the available evidence is currently insufficient to determine the role of this variant in disease. Therefore, it has been classified as a Variant of Uncertain Significance.

GeneDx
Classification: Uncertain significance. Last evaluated: 2025-05-02. Review status: criteria provided, single submitter. Criteria: GeneDx Variant Classification Process June 2021. Collection method: clinical testing. Allele origin: germline. Affected: yes.
Comment: Not observed at significant frequency in large population cohorts (gnomAD); In silico analysis supports that this missense variant has a deleterious effect on protein structure/function; Has not been previously published as pathogenic or benign to our knowledge

NM_080680.3(COL11A2):c.2960C>G (p.Pro987Arg)

Gene: COL11A2 (collagen type XI alpha 2 chain; minus strand). Cytogenetic location: 6p21.32.
Variant type: single nucleotide variant.
Coding change: c.2960C>G on transcript NM_080680.3 (MANE Select); coding-DNA position 2960, C replaced by G.
Protein change: p.Pro987Arg; replaces proline 987 with arginine.
Molecular consequence: missense variant.
Genome position (GRCh38, 1-based): chr6:33,172,317, G>C on the plus strand (C>G on the coding strand, the complement: COL11A2 is on the minus strand). VCF-style: chr6-33172317-G-C. GRCh37 (hg19) VCF-style: chr6-33140094-G-C.
Other names: c.2780C>G, p.Pro927Arg (NM_001424108.1); c.2114C>G, p.Pro705Arg (NM_001424109.1); c.1934C>G, p.Pro645Arg (NM_001424110.1, NM_001424111.1); c.914C>G, p.Pro305Arg (NM_001424112.1); c.2639C>G, p.Pro880Arg (NM_080679.3); c.2702C>G, p.Pro901Arg (NM_080681.3); short protein forms P305R, P645R, P705R, P880R, P901R, P927R, P987R.
Identifiers: ClinVar variation 4528012 (VCV004528012.2).
Genomic context (GRCh38, chr6:33,172,317, plus strand): 5'-GTGACAGGCAGGGGTCTGGGAGTCACACTCACAGCAGTGCCTGGGAGGCCTCTCTCTCCT[G>C]GGAATCCCCTCAGACCAGCAGGACCATCCTTCCCTGGGGCCCCAGGGGGACCAGGGTCAC-3'
Protein context (NP_542411.2, residues 977-997): KDGPAGLRGF[Pro987Arg]GERGLPGTAG